The following is an entry in ClinVar:

NM_024652.6(LRRK1):c.3178dup (p.Val1060fs)

Genes: LRRK1 (leucine rich repeat kinase 1; plus strand), LRRK1-AS1 (LRRK1 antisense RNA 1; minus strand). Cytogenetic location: 15q26.3.
Variant type: Duplication.
Coding change: c.3178dup on transcript NM_024652.6 (MANE Select); coding-DNA position 3178, one base duplicated (G; older notation c.3178dupG).
Protein change: p.Val1060fs; shifts the reading frame from valine 1060.
Molecular consequence: frameshift variant.
Genome position (GRCh38, 1-based): chr15:101,048,536, G duplicated. VCF-style (leftmost placement, unchanged base first): chr15-101048535-A-AG. GRCh37 (hg19) VCF-style: chr15-101588740-A-AG.
Other names: short protein forms V1060fs.
Identifiers: ClinVar variation 2698615 (VCV002698615.3), dbSNP rs2505433946, ClinGen allele CA2575848328.

ClinVar aggregate classification (germline): Pathogenic (1 of 4 stars; one submission).

Submission:

Labcorp Genetics (formerly Invitae), Labcorp
Classification: Pathogenic. Last evaluated: 2023-11-24. Review status: criteria provided, single submitter. Criteria: Invitae Variant Classification Sherloc (09022015). Collection method: clinical testing. Allele origin: germline.
Comment: This sequence change creates a premature translational stop signal (p.Val1060Glyfs*15) in the LRRK1 gene. It is expected to result in an absent or disrupted protein product. Loss-of-function variants in LRRK1 are known to be pathogenic (PMID: 23526378, 31571209, 32119750). This variant is not present in population databases (gnomAD no frequency). This variant has not been reported in the literature in individuals affected with LRRK1-related conditions. For these reasons, this variant has been classified as Pathogenic.

Literature cited by the submitters: PubMed 23526378; PubMed 31571209; PubMed 32119750.